The following is an entry in ClinVar:

NM_003482.4(KMT2D):c.13097C>T (p.Ala4366Val)

Gene: KMT2D (lysine methyltransferase 2D; minus strand). Cytogenetic location: 12q13.12.
Variant type: single nucleotide variant.
Coding change: c.13097C>T on transcript NM_003482.4 (MANE Select); coding-DNA position 13097, C replaced by T.
Protein change: p.Ala4366Val; replaces alanine 4366 with valine.
Molecular consequence: missense variant.
Genome position (GRCh38, 1-based): chr12:49,031,608, G>A on the plus strand (C>T on the coding strand, the complement: KMT2D is on the minus strand). VCF-style: chr12-49031608-G-A. GRCh37 (hg19) VCF-style: chr12-49425391-G-A.
Other names: short protein forms A4366V.
Identifiers: ClinVar variation 1489036 (VCV001489036.6), dbSNP rs2120421772, ClinGen allele CA384707453.
Genomic context (GRCh38, chr12:49,031,608, plus strand): 5'-GTTTCTGCTAGGTTGTCTGGGGGATCCCAAGGTCCCAGACCCTTGCTAAACAAGGTATCT[G>A]CAAGCTGGGCAGCAGCAGGTGAGACCCTCCCAGGAGGCGGCTCCAAGGTTGGCCCCTGAG-3'
Protein context (NP_003473.3, residues 4356-4376): GRVSPAAAQL[Ala4366Val]DTLFSKGLGP

ClinVar aggregate classification (germline): Uncertain significance (1 of 4 stars; one submission).

Conditions:
Kabuki syndrome. Also called: NIIKAWA-KUROKI SYNDROME; Kabuki make-up syndrome. Identifiers: Orphanet 2322, MedGen C0796004, MONDO:0016512.

Submission:

Labcorp Genetics (formerly Invitae), Labcorp
Classification: Uncertain significance for Kabuki syndrome. Last evaluated: 2021-11-14. Review status: criteria provided, single submitter. Criteria: Invitae Variant Classification Sherloc (09022015). Collection method: clinical testing. Allele origin: germline.
Comment: This sequence change replaces alanine, which is neutral and non-polar, with valine, which is neutral and non-polar, at codon 4366 of the KMT2D protein (p.Ala4366Val). This variant is not present in population databases (gnomAD no frequency). This variant has not been reported in the literature in individuals affected with KMT2D-related conditions. Advanced modeling of protein sequence and biophysical properties (such as structural, functional, and spatial information, amino acid conservation, physicochemical variation, residue mobility, and thermodynamic stability) performed at Invitae indicates that this missense variant is not expected to disrupt KMT2D protein function. In summary, the available evidence is currently insufficient to determine the role of this variant in disease. Therefore, it has been classified as a Variant of Uncertain Significance.